The following is an entry in ClinVar:

NM_000132.4(F8):c.7015A>T (p.Arg2339Trp)

Gene: F8 (coagulation factor VIII; minus strand). Cytogenetic location: Xq28.
Variant type: single nucleotide variant.
Coding change: c.7015A>T on transcript NM_000132.4 (MANE Select); coding-DNA position 7015, A replaced by T.
Protein change: p.Arg2339Trp; replaces arginine 2339 with tryptophan.
Molecular consequence: missense variant.
Genome position (GRCh38, 1-based): chrX:154,837,638, T>A on the plus strand (A>T on the coding strand, the complement: F8 is on the minus strand). VCF-style: chrX-154837638-T-A. GRCh37 (hg19) VCF-style: chrX-154065913-T-A.
Other names: NM_019863.3:c.610A>T; c.610A>T, p.Arg204Trp (NM_019863.3); short protein forms R204W, R2339W.
Identifiers: ClinVar variation 3242381 (VCV003242381.1), dbSNP rs2523812635.

ClinVar aggregate classification (germline): Likely pathogenic (3 of 4 stars; one submission).

Conditions:
Hereditary factor VIII deficiency disease (HEMA). Also called: HEMOPHILIA, CLASSIC; AUTOSOMAL HEMOPHILIA A; Hemophilia A; Hemophilia A, congenital; HEM A; Factor 8 deficiency, congenital. Identifiers: Orphanet 98878, MedGen C0019069, MONDO:0010602, OMIM 306700.

Submission:

ClinGen Coagulation Factor Deficiency Variant Curation Expert Panel, Clingen
Classification: Likely pathogenic for Hereditary factor VIII deficiency disease. Last evaluated: 2024-05-09. Review status: reviewed by expert panel. Criteria: ClinGen CoagFactor ACMG Specifications F8 V1.0.0. Collection method: curation. Allele origin: germline. Inheritance: X-linked inheritance.
Comment: The c.7015A>T (Arg2339Trp) variant is absent from males in population databases (gnomAD v2.1.1/gnomAD v3). This variant has been reported in at least four probands with severe hemophilia A (>4 probands & 0 gnomAD alleles) meeting phenotypic criteria for F8 (PMID: 30913330, 20331761, 18691168, 18217193). This missense variant has a REVEL score of 0.878 (>0.6). In summary, this variant meets criteria to be classified as likely pathogenic. ACMG/AMP criteria applied, as specified by the Coagulation Factor Deficiency Variant Curation Expert Panel for F8: PS4, PP3, PM2_Supporting.